The following is an entry in ClinVar:

ClinVar aggregate classification (germline): Uncertain significance (1 of 4 stars; one submission).

Conditions:
CFI-related disorder. Also called: CFI-related condition; CFI-related disorders. Identifiers: MedGen CN239325.

Submission:

Genomenon, Inc
Classification: Uncertain significance for CFI-related disorder. Last evaluated: 2025-09-26. Review status: criteria provided, single submitter. Criteria: Genomenon Sequence Variant Interpretation Standards - Updated. Collection method: curation. Allele origin: germline. Affected: no.
Comment: CFI p.Asn478Thr (c.1433A>C) is a missense variant that changes the amino acid at residue 478 from Asparagine to Threonine. This variant has been reported in the published literature (PMID:22393059). It is absent or not present at a significant frequency in gnomAD. In conclusion, we classify CFI p.Asn478Thr (c.1433A>C) as a variant of unknown significance.

Literature cited by the submitters: PubMed 22393059.

NM_000204.5(CFI):c.1433A>C (p.Asn478Thr)

Gene: CFI (complement factor I; minus strand). Cytogenetic location: 4q25.
Variant type: single nucleotide variant.
Coding change: c.1433A>C on transcript NM_000204.5 (MANE Select); coding-DNA position 1433, A replaced by C.
Protein change: p.Asn478Thr; replaces asparagine 478 with threonine.
Molecular consequence: missense variant. On other transcripts: non-coding transcript variant (3).
Genome position (GRCh38, 1-based): chr4:109,742,592, T>G on the plus strand (A>C on the coding strand, the complement: CFI is on the minus strand). VCF-style: chr4-109742592-T-G. GRCh37 (hg19) VCF-style: chr4-110663748-T-G.
Other names: c.1457A>C, p.Asn486Thr (NM_001318057.2, NM_001375278.1, NM_001440988.1); c.1412A>C, p.Asn471Thr (NM_001331035.2, NM_001375280.1, NM_001375282.1 and 1 more transcripts); c.1433A>C, p.Asn478Thr (NM_001375279.1, NM_001375281.1, NM_001440989.1); c.1376A>C, p.Asn459Thr (NM_001375283.1); c.824A>C, p.Asn275Thr (NM_001375284.1); c.1454A>C, p.Asn485Thr (NM_001440985.1, NM_001440986.1); short protein forms N275T, N459T, N471T, N478T, N485T, N486T.
Identifiers: ClinVar variation 4280519 (VCV004280519.1).